The following is an entry in ClinVar:

ClinVar aggregate classification (germline): Likely benign (1 of 4 stars; one submission).

Conditions:
NPHP3-related disorder. Also called: NPHP3-related condition; NPHP3-related disorders. Identifiers: MedGen CN379163.

Submission:

PreventionGenetics, part of Exact Sciences
Classification: Likely benign for NPHP3-related condition. Last evaluated: 2025-01-27. Review status: criteria provided, single submitter. Criteria: ACMG Guidelines, 2015. Collection method: clinical testing. Allele origin: germline.
Comment: This variant is classified as likely benign based on ACMG/AMP sequence variant interpretation guidelines (Richards et al. 2015 PMID: 25741868, with internal and published modifications).

NM_153240.5(NPHP3):c.192G>T (p.Val64=)

Genes: NPHP3 (nephrocystin 3; minus strand), NPHP3-ACAD11 (NPHP3-ACAD11 readthrough (NMD candidate); minus strand), NPHP3-AS1 (NPHP3 antisense RNA 1; plus strand), LOC129937586 (ATAC-STARR-seq lymphoblastoid silent region 14743; plus strand). Cytogenetic location: 3q22.1.
Variant type: single nucleotide variant.
Coding change: c.192G>T on transcript NM_153240.5 (MANE Select); coding-DNA position 192, G replaced by T.
Protein change: p.Val64=; no amino-acid change (valine 64 retained).
Molecular consequence: synonymous variant. On other transcripts: non-coding transcript variant (3).
Genome position (GRCh38, 1-based): chr3:132,722,164, C>A on the plus strand (G>T on the coding strand, the complement: NPHP3 is on the minus strand). VCF-style: chr3-132722164-C-A. GRCh37 (hg19) VCF-style: chr3-132441008-C-A.
Identifiers: ClinVar variation 4985067 (VCV004985067.1).